The following is an entry in ClinVar:

ClinVar aggregate classification (germline): Likely benign (1 of 4 stars; one submission).

Submission:

CeGaT Center for Human Genetics Tuebingen
Classification: Likely benign. Last evaluated: 2023-03-01. Review status: criteria provided, single submitter. Criteria: CeGaT Center For Human Genetics Tuebingen Variant Classification Criteria Version 2. Collection method: clinical testing. Allele origin: germline. Affected: yes. Observed: 1 variant allele.
Comment: ATXN3L: BS2

NM_001135995.2(ATXN3L):c.941CAA[2] (p.Thr316del)

Genes: ATXN3L (ataxin 3 like; minus strand), GS1-600G8.3 (unknown transcript; plus strand). Cytogenetic location: Xp22.2.
Variant type: Microsatellite.
Coding change: c.941CAA[2] on transcript NM_001135995.2 (MANE Select); two copies in a row of the 3-base unit CAA starting at c.941; the reference has three copies in a row; one copy, 3 bases deleted.
Protein change: p.Thr316del; deletes threonine 316.
Molecular consequence: inframe deletion.
Genome position (GRCh38, 1-based): chrX:13,318,986-13,318,988, TTG deleted on the plus strand (CAA on the coding strand, the reverse complement: ATXN3L is on the minus strand); deleting any 3 consecutive bases within chrX:13,318,986-13,318,994 gives the same sequence; the position shown is the placement nearest the transcript's 3' end. VCF-style (leftmost placement, unchanged base first): chrX-13318985-CTTG-C. GRCh37 (hg19) VCF-style: chrX-13337104-CTTG-C.
Other names: c.677CAA[2], p.Thr228del (NM_001387036.1); short protein forms T228del, T316del.
Identifiers: ClinVar variation 2660021 (VCV002660021.24), dbSNP rs772376884, ClinGen allele CA10350665.